The following is an entry in ClinVar:

ClinVar aggregate classification (germline): Uncertain significance (1 of 4 stars; one submission).

Submission:

GeneDx
Classification: Uncertain significance. Last evaluated: 2026-02-13. Review status: criteria provided, single submitter. Criteria: GeneDx Variant Classification Process June 2021. Collection method: clinical testing. Allele origin: germline.
Comment: Not observed at significant frequency in large population cohorts (gnomAD); In silico analysis suggests that this missense variant does not alter protein structure/function; Has not been previously published as pathogenic or benign to our knowledge; This variant is associated with the following publications: (PMID: 21520338, 31554319, 9590290)

NM_005422.4(TECTA):c.735G>C (p.Trp245Cys)

Genes: TBCEL-TECTA (TBCEL-TECTA readthrough; plus strand), TECTA (tectorin alpha; plus strand). Cytogenetic location: 11q23.3.
Variant type: single nucleotide variant.
Coding change: c.735G>C on transcript NM_005422.4 (MANE Select); coding-DNA position 735, G replaced by C.
Protein change: p.Trp245Cys; replaces tryptophan 245 with cysteine.
Molecular consequence: missense variant.
Genome position (GRCh38, 1-based): chr11:121,113,663, G>C. VCF-style: chr11-121113663-G-C. GRCh37 (hg19) VCF-style: chr11-120984372-G-C.
Other names: c.1692G>C, p.Trp564Cys (NM_001378761.1); short protein forms W245C, W564C.
Identifiers: ClinVar variation 4976563 (VCV004976563.1).